The following is an entry in ClinVar:

NM_138477.4(CDAN1):c.1821G>A (p.Glu607=)

Gene: CDAN1 (codanin 1; minus strand). Cytogenetic location: 15q15.2.
Variant type: single nucleotide variant.
Coding change: c.1821G>A on transcript NM_138477.4 (MANE Select); coding-DNA position 1821, G replaced by A.
Protein change: p.Glu607=; no amino-acid change (glutamic acid 607 retained).
Molecular consequence: synonymous variant.
Genome position (GRCh38, 1-based): chr15:42,731,250, C>T on the plus strand (G>A on the coding strand, the complement: CDAN1 is on the minus strand). VCF-style: chr15-42731250-C-T. GRCh37 (hg19) VCF-style: chr15-43023448-C-T.
Identifiers: ClinVar variation 3054438 (VCV003054438.2), dbSNP rs2061607001, ClinGen allele CA490002049.

ClinVar aggregate classification (germline): Likely benign (0 of 4 stars; one submission).

Conditions:
CDAN1-related disorder. Also called: CDAN1-related condition.

Allele frequency attached by ClinVar (database versions not stated): gnomAD exomes below 0.00001; gnomAD 0.00001.

Submission:

PreventionGenetics, part of Exact Sciences
Classification: Likely benign for CDAN1-related condition. Last evaluated: 2020-05-21. Review status: no assertion criteria provided. Collection method: clinical testing. Allele origin: germline.
Comment: This variant is classified as likely benign based on ACMG/AMP sequence variant interpretation guidelines (Richards et al. 2015 PMID: 25741868, with internal and published modifications).